The following is an entry in ClinVar:

NM_003803.4(MYOM1):c.3539A>G (p.Asp1180Gly)

Gene: MYOM1 (myomesin 1; minus strand). Cytogenetic location: 18p11.31.
Variant type: single nucleotide variant.
Coding change: c.3539A>G on transcript NM_003803.4 (MANE Select); coding-DNA position 3539, A replaced by G.
Protein change: p.Asp1180Gly; replaces aspartic acid 1180 with glycine.
Molecular consequence: missense variant.
Genome position (GRCh38, 1-based): chr18:3,102,510, T>C on the plus strand (A>G on the coding strand, the complement: MYOM1 is on the minus strand). VCF-style: chr18-3102510-T-C. GRCh37 (hg19) VCF-style: chr18-3102508-T-C.
Other names: c.3251A>G, p.Asp1084Gly (NM_019856.2); short protein forms D1180G, D1084G.
Identifiers: ClinVar variation 227701 (VCV000227701.21), dbSNP rs188319622, ClinGen allele CA8874266.

ClinVar aggregate classification (germline): Conflicting classifications of pathogenicity. Review status: criteria provided, conflicting classifications (1 of 4 stars). 6 submissions from 6 submitters: Uncertain significance (3); Benign (1); Likely benign (2). Last evaluated 2026-01-21.

Conditions:
Hypertrophic cardiomyopathy. Also called: HYPERTROPHIC MYOCARDIOPATHY. Identifiers: Orphanet 217569, MedGen C0007194, MeSH D002312, MONDO:0005045, HP:0001639.

Allele frequency attached by ClinVar (database versions not stated): 1000 Genomes Project 30x 0.00062; 1000 Genomes Project 0.00080; ESP Exome Variant Server 0.00150; TOPMed 0.00162; gnomAD 0.00176.
gnomAD v4.1: 458 of 1,613,292 alleles (0.028%); highest among the groups gnomAD compares: African/African-American, 0.53%; 2 homozygotes.

Submissions (6):

Labcorp Genetics (formerly Invitae), Labcorp
Classification: Benign for Hypertrophic cardiomyopathy. Last evaluated: 2026-01-21. Review status: criteria provided, single submitter. Criteria: Invitae Variant Classification Sherloc (09022015). Collection method: clinical testing. Allele origin: germline.

Clinical Genomics Laboratory, Washington University in St. Louis
Classification: Uncertain significance for hypertrophic cardiomyopathy. Last evaluated: 2025-04-10. Review status: criteria provided, single submitter. Criteria: ACMG Guidelines, 2015. Collection method: clinical testing. Allele origin: germline.
Comment: The MYOM1 c.3539A>G (p.Asp1180Gly) variant, to our knowledge, has not been reported in the medical literature. The highest population minor allele frequency in the population database genome aggregation database (v.2.1.1) is 0.5% in the African population. Computational predictors are uncertain as to the impact of this variant on MYOM1 function. This variant has been reported in the ClinVar database as a germline variant of uncertain significance and likely benign by two submitters each and benign by one submitter (Variation ID: 227701). Due to limited information, the clinical significance of this variant is uncertain.

Ambry Genetics
Classification: Uncertain significance. Last evaluated: 2025-01-04. Review status: criteria provided, single submitter. Criteria: Ambry Variant Classification Scheme 2023. Collection method: clinical testing. Allele origin: germline.
Comment: The p.D1180G variant (also known as c.3539A>G), located in coding exon 22 of the MYOM1 gene, results from an A to G substitution at nucleotide position 3539. The aspartic acid at codon 1180 is replaced by glycine, an amino acid with similar properties. This amino acid position is conserved. In addition, the in silico prediction for this alteration is inconclusive. Since supporting evidence is limited at this time, the clinical significance of this alteration remains unclear.

Center for Genomics, Ann and Robert H. Lurie Children's Hospital of Chicago
Classification: Uncertain significance. Last evaluated: 2021-03-30. Review status: criteria provided, single submitter. Criteria: ACMG Guidelines, 2015. Collection method: clinical testing. Allele origin: germline.
Comment: MYOM1 NM_003803.3 exon 23 p.Asp1180Gly (c.3539A>G): This variant has not been reported in the literature and is present in 0.5% (137/24170) of African alleles in the Genome Aggregation Database. This variant is present in ClinVar (Variation ID:227701). Evolutionary conservation and computational predictive tools for this variant are unclear. In summary, data on this variant is insufficient for disease classification. Therefore, the clinical significance of this variant is uncertain.

Laboratory for Molecular Medicine, Mass General Brigham Personalized Medicine
Classification: Likely benign. Last evaluated: 2015-03-13. Review status: criteria provided, single submitter. Criteria: LMM Criteria. Collection method: clinical testing. Allele origin: germline. Observed: 1 variant allele.
Comment: p.Asp1180Gly in exon 23 of MYOM1: This variant is not expected to have clinical significance because it has been identified in 0.5% (51/9800) of African chromos omes by the Exome Aggregation Consortium (ExAC; dbSNP rs188319622).

Breakthrough Genomics
Classification: Likely benign. Review status: criteria provided, single submitter. Criteria: ACMG Guidelines, 2015. Collection method: not provided. Allele origin: germline. Inheritance: Unknown mechanism. Affected: yes.